The following is an entry in ClinVar:

NM_153816.6(SNX14):c.1810+14T>G

Gene: SNX14 (sorting nexin 14; minus strand). Cytogenetic location: 6q14.3.
Variant type: single nucleotide variant.
Coding change: c.1810+14T>G on transcript NM_153816.6 (MANE Select); 14 bases into the intron after coding-DNA position 1810, T replaced by G.
Molecular consequence: intron variant.
Genome position (GRCh38, 1-based): chr6:85,533,585, A>C on the plus strand (T>G on the coding strand, the complement: SNX14 is on the minus strand). VCF-style: chr6-85533585-A-C. GRCh37 (hg19) VCF-style: chr6-86243303-A-C.
Other names: c.1519+14T>G (NM_001350543.2); c.1651+14T>G (NM_001350539.2, NM_020468.6); c.1522+14T>G (NM_001350542.2); c.1366+14T>G (NM_001350546.2, NM_001350545.2); c.760+14T>G (NM_001350547.2); c.1510+14T>G (NM_001350544.2); c.628+14T>G (NM_001350553.2); c.655+14T>G (NM_001350549.2, NM_001350548.2, NM_001350551.2 and 2 more transcripts); and 9 more.
Identifiers: ClinVar variation 1961270 (VCV001961270.5), dbSNP rs912195649, ClinGen allele CA142039001.

ClinVar aggregate classification (germline): Uncertain significance (1 of 4 stars; one submission).

Allele frequency attached by ClinVar (database versions not stated): TOPMed below 0.00001; gnomAD 0.00001.
gnomAD v4.1: 1 of 1,608,664 alleles (0.000062%); highest among the groups gnomAD compares: Non-Finnish European, 0.000085%; no homozygotes.

Submission:

Labcorp Genetics (formerly Invitae), Labcorp
Classification: Uncertain significance. Last evaluated: 2022-08-23. Review status: criteria provided, single submitter. Criteria: Invitae Variant Classification Sherloc (09022015). Collection method: clinical testing. Allele origin: germline.
Comment: This sequence change falls in intron 18 of the SNX14 gene. It does not directly change the encoded amino acid sequence of the SNX14 protein. This variant is not present in population databases (gnomAD no frequency). This variant has not been reported in the literature in individuals affected with SNX14-related conditions. Algorithms developed to predict the effect of sequence changes on RNA splicing suggest that this variant may create or strengthen a splice site. In summary, the available evidence is currently insufficient to determine the role of this variant in disease. Therefore, it has been classified as a Variant of Uncertain Significance.